The following is an entry in ClinVar:

NM_001614.5(ACTG1):c.494T>C (p.Ile165Thr)

Gene: ACTG1 (actin gamma 1; minus strand). Cytogenetic location: 17q25.3.
Variant type: single nucleotide variant.
Coding change: c.494T>C on transcript NM_001614.5 (MANE Select); coding-DNA position 494, T replaced by C.
Protein change: p.Ile165Thr; replaces isoleucine 165 with threonine.
Molecular consequence: missense variant. On other transcripts: non-coding transcript variant (1).
Genome position (GRCh38, 1-based): chr17:81,511,496, A>G on the plus strand (T>C on the coding strand, the complement: ACTG1 is on the minus strand). VCF-style: chr17-81511496-A-G. GRCh37 (hg19) VCF-style: chr17-79478522-A-G.
Other names: c.494T>C, p.Ile165Thr (NM_001199954.3); short protein forms I165T.
Identifiers: ClinVar variation 1683910 (VCV001683910.6), dbSNP rs2143778877, ClinGen allele CA401460958.

ClinVar aggregate classification (germline): Conflicting classifications of pathogenicity. Review status: criteria provided, conflicting classifications (1 of 4 stars). 3 submissions from 3 submitters: Likely pathogenic (2); Uncertain significance (1). Last evaluated 2026-05-15.

Conditions:
Monogenic hearing loss.
Autosomal dominant nonsyndromic hearing loss 20. Identifiers: Orphanet 90635, MedGen C1858172, MONDO:0011480, OMIM 604717.

Submissions (3):

Genetics Laboratory, Great Ormond Street Hospital NHS Foundation Trust, North Thames Genomic Laboratory Hub
Classification: Likely pathogenic for Monogenic hearing loss. Last evaluated: 2026-05-15. Review status: criteria provided, single submitter. Criteria: ACGS Best Practice Guidelines for Variant Classification in Rare Disease 2024 v1.2. Collection method: clinical testing. Allele origin: germline. Affected: yes.
Comment: PS4_moderate, PM2_moderate, PP3_supporting, PM5_moderate

Institute of Rare Diseases, West China Hospital, Sichuan University
Classification: Likely pathogenic for Autosomal dominant nonsyndromic hearing loss 20. Last evaluated: 2025-01-09. Review status: criteria provided, single submitter. Criteria: ClinGen HL ACMG Specifications v1. Collection method: research. Allele origin: germline. Affected: yes.
Comment: PS2;PM2_Supporting;PP3

GeneDx
Classification: Uncertain significance. Last evaluated: 2024-02-20. Review status: criteria provided, single submitter. Criteria: GeneDx Variant Classification Process June 2021. Collection method: clinical testing. Allele origin: germline. Affected: yes.
Comment: Not observed at significant frequency in large population cohorts (gnomAD); Missense variants in this gene are often considered pathogenic (HGMD); In silico analysis supports that this missense variant has a deleterious effect on protein structure/function; Has not been previously published as pathogenic or benign to our knowledge